The following is an entry in ClinVar:

ClinVar aggregate classification (germline): Conflicting classifications of pathogenicity. Review status: criteria provided, conflicting classifications (1 of 4 stars). 2 submissions from 2 submitters: Uncertain significance (1); Likely benign (1). Last evaluated 2025-08-24.

Conditions:
Cardiovascular phenotype. Identifiers: MedGen CN230736.
Progressive familial heart block type IB (PFHB1B). Identifiers: Orphanet 871, MedGen C1970298, MONDO:0011474, OMIM 604559.

gnomAD v4.1: 3 of 1,604,146 alleles (0.00019%); highest among the groups gnomAD compares: Admixed American, 0.0017%; no homozygotes.

Submissions (2):

Labcorp Genetics (formerly Invitae), Labcorp
Classification: Uncertain significance for Progressive familial heart block type IB. Last evaluated: 2025-08-24. Review status: criteria provided, single submitter. Criteria: Invitae Variant Classification Sherloc (09022015). Collection method: clinical testing. Allele origin: germline.
Comment: This sequence change replaces valine, which is neutral and non-polar, with methionine, which is neutral and non-polar, at codon 57 of the TRPM4 protein (p.Val57Met). The frequency data for this variant in the population databases is considered unreliable, as metrics indicate poor data quality at this position in the gnomAD database. This variant has not been reported in the literature in individuals affected with TRPM4-related conditions. ClinVar contains an entry for this variant (Variation ID: 2733740). An algorithm developed to predict the effect of missense changes on protein structure and function outputs the following: PolyPhen-2: "Benign". The methionine amino acid residue is found in multiple mammalian species, which suggests that this missense change does not adversely affect protein function. In summary, the available evidence is currently insufficient to determine the role of this variant in disease. Therefore, it has been classified as a Variant of Uncertain Significance.

Ambry Genetics
Classification: Likely benign for Cardiovascular phenotype. Last evaluated: 2024-09-24. Review status: criteria provided, single submitter. Criteria: Ambry Variant Classification Scheme 2023. Collection method: clinical testing. Allele origin: germline.

NM_017636.4(TRPM4):c.169G>A (p.Val57Met)

Gene: TRPM4 (transient receptor potential cation channel subfamily M member 4; plus strand). Cytogenetic location: 19q13.33.
Variant type: single nucleotide variant.
Coding change: c.169G>A on transcript NM_017636.4 (MANE Select); coding-DNA position 169, G replaced by A.
Protein change: p.Val57Met; replaces valine 57 with methionine.
Molecular consequence: missense variant. On other transcripts: 5 prime UTR variant (1), intron variant (2).
Genome position (GRCh38, 1-based): chr19:49,166,117, G>A. VCF-style: chr19-49166117-G-A. GRCh37 (hg19) VCF-style: chr19-49669374-G-A.
Other names: c.169G>A, p.Val57Met (NM_001195227.2, NM_001321281.2); c.-1204G>A (NM_001321282.2); c.-74-2143G>A (NM_001321283.2); c.-237-2436G>A (NM_001321285.2); c.169G>A (NM_017636.3); short protein forms V57M.
Identifiers: ClinVar variation 2733740 (VCV002733740.4), dbSNP rs750590052, ClinGen allele CA309429506.